The following is an entry in ClinVar:

ClinVar aggregate classification (germline): Likely pathogenic. Review status: criteria provided, multiple submitters, no conflicts (2 of 4 stars). 5 submissions from 5 submitters: Likely pathogenic (5). Last evaluated 2026-05-20.

Conditions:
Adult hypophosphatasia. Identifiers: Orphanet 247676, Orphanet 436, MedGen C0268413, MONDO:1010154, OMIM 146300, MONDO:0007798.
Childhood hypophosphatasia. Identifiers: Orphanet 247667, Orphanet 436, MedGen C0220743, MONDO:1010168, OMIM 241510, MONDO:0009428.
Infantile hypophosphatasia. Identifiers: Orphanet 247651, Orphanet 436, MedGen C0268412, MONDO:1010169, OMIM 241500, MONDO:0009427.
Hypophosphatasia. Also called: Phosphoethanol-aminuria. Identifiers: Orphanet 436, MedGen C0020630, MeSH D007014, MONDO:0018570.

Allele frequency attached by ClinVar (database versions not stated): gnomAD 0.00001; TOPMed below 0.00001.
gnomAD v4.1: 1 of 1,609,402 alleles (0.000062%); highest among the groups gnomAD compares: Non-Finnish European, 0.000085%; no homozygotes.

Submissions (5):

Women's Health and Genetics/Laboratory Corporation of America, LabCorp
Classification: Likely pathogenic for Hypophosphatasia. Last evaluated: 2026-05-20. Review status: criteria provided, single submitter. Criteria: LabCorp Variant Classification Summary - May 2015. Collection method: clinical testing. Allele origin: germline.
Comment: Variant summary: ALPL c.1415A>G (p.His472Arg) results in a non-conservative amino acid change in the encoded protein sequence. Algorithms developed to predict the effect of missense changes on protein structure and function all suggest that this variant is likely to be disruptive. The variant was absent in 244634 control chromosomes. c.1415A>G has been observed in the heterozygous and compound heterozygous state in at least 2 individual(s) affected with ALPL-related conditions (e.g. Cinque_2023, Durrough_Bone_2021, Rush_2025, Casamassima_2025). At least one publication reports experimental evidence evaluating an impact on protein function. The most pronounced variant effect results in 30%-50% of normal enzyme activity in vitro (e.g. Farman_2025). Internally validated machine learning-based Evidence Modeling of protein sequence and biophysical properties (such as structural, functional, and spatial information, amino acid conservation, physicochemical variation, residue mobility, and thermodynamic stability) indicates that this missense variant is expected to disrupt protein function with a positive predictive value of at least 95%. The following publications have been ascertained in the context of this evaluation (PMID: 41294821, 37600704, 33069919, 40386289, 39983296). ClinVar contains an entry for this variant (Variation ID: 1003872). Based on the evidence outlined above, the variant was classified as likely pathogenic for autosomal dominant hypophosphatasia and autosomal recessive hypophosphatasia.

Genomenon, Inc
Classification: Likely pathogenic for Hypophosphatasia. Last evaluated: 2025-08-29. Review status: criteria provided, single submitter. Criteria: Genomenon Sequence Variant Interpretation Standards. Collection method: curation. Allele origin: germline. Affected: yes.
Comment: ALPL p.His472Arg (c.1415A>G) is a missense variant that changes the amino acid at residue 472 from Histidine to Arginine. This variant has been observed in at least one proband affected with hypophosphatasia (PMID:37600704;35878747). It is absent or not present at a significant frequency in gnomAD. In silico models agree that this variant is possibly or probably damaging. In conclusion, we classify ALPL p.His472Arg (c.1415A>G) as a likely pathogenic variant.

Labcorp Genetics (formerly Invitae), Labcorp
Classification: Likely pathogenic. Last evaluated: 2025-02-13. Review status: criteria provided, single submitter. Criteria: Invitae Variant Classification Sherloc (09022015). Collection method: clinical testing. Allele origin: germline.
Comment: This sequence change replaces histidine, which is basic and polar, with arginine, which is basic and polar, at codon 472 of the ALPL protein (p.His472Arg). This variant is not present in population databases (gnomAD no frequency). This missense change has been observed in individual(s) with clinical features of hypophosphatasia (PMID: 37600704; external communication). In at least one individual the data is consistent with being in trans (on the opposite chromosome) from a pathogenic variant. ClinVar contains an entry for this variant (Variation ID: 1003872). Invitae Evidence Modeling of protein sequence and biophysical properties (such as structural, functional, and spatial information, amino acid conservation, physicochemical variation, residue mobility, and thermodynamic stability) indicates that this missense variant is expected to disrupt ALPL protein function with a positive predictive value of 95%. In summary, the currently available evidence indicates that the variant is pathogenic, but additional data are needed to prove that conclusively. Therefore, this variant has been classified as Likely Pathogenic.

Fulgent Genetics
Classification: Likely pathogenic for Adult hypophosphatasia; Infantile hypophosphatasia; Childhood hypophosphatasia. Last evaluated: 2024-06-23. Review status: criteria provided, single submitter. Criteria: ACMG Guidelines, 2015. Collection method: clinical testing. Allele origin: germline.

JKU Lab, Dept of Paediatrics, Johannes Kepler University
Classification: Likely pathogenic for Hypophosphatasia. Last evaluated: 2022-12-13. Review status: criteria provided, single submitter. Criteria: ACMG Guidelines, 2015. Collection method: clinical testing. Allele origin: germline. Affected: yes. Observed: 1 heterozygote.
Comment: Absent in GnomAD. The functional test results and ACMG criteria applied can be looked up in the ALPL gene variant database.

Literature cited by the submitters: PubMed 33069919 (cited by Women's Health and Genetics/Laboratory Corporation of America, LabCorp); PubMed 37600704 (cited by 3 submitters); PubMed 40386289 (cited by Women's Health and Genetics/Laboratory Corporation of America, LabCorp); PubMed 39983296 (cited by Women's Health and Genetics/Laboratory Corporation of America, LabCorp); PubMed 41294821 (cited by Women's Health and Genetics/Laboratory Corporation of America, LabCorp); PubMed 35878747 (cited by Genomenon, Inc).

NM_000478.6(ALPL):c.1415A>G (p.His472Arg)

Gene: ALPL (alkaline phosphatase, biomineralization associated; plus strand). Cytogenetic location: 1p36.12.
Variant type: single nucleotide variant.
Coding change: c.1415A>G on transcript NM_000478.6 (MANE Select); coding-DNA position 1415, A replaced by G.
Protein change: p.His472Arg; replaces histidine 472 with arginine.
Molecular consequence: missense variant.
Genome position (GRCh38, 1-based): chr1:21,577,488, A>G. VCF-style: chr1-21577488-A-G. GRCh37 (hg19) VCF-style: chr1-21903981-A-G.
Other names: c.1250A>G, p.His417Arg (NM_001127501.4); c.1184A>G, p.His395Arg (NM_001177520.3); c.1415A>G, p.His472Arg (NM_001369803.2, NM_001369804.2, NM_001369805.2); short protein forms H395R, H417R, H472R.
Identifiers: ClinVar variation 1003872 (VCV001003872.11), dbSNP rs1644755133, ClinGen allele CA338882149.